The following is an entry in ClinVar:

NM_003906.5(MCM3AP):c.4420G>A (p.Val1474Met)

Genes: MCM3AP (minichromosome maintenance complex component 3 associated protein; minus strand), MCM3AP-AS1 (MCM3AP antisense RNA 1; plus strand). Cytogenetic location: 21q22.3.
Variant type: single nucleotide variant.
Coding change: c.4420G>A on transcript NM_003906.5 (MANE Select); coding-DNA position 4420, G replaced by A.
Protein change: p.Val1474Met; replaces valine 1474 with methionine.
Molecular consequence: missense variant.
Genome position (GRCh38, 1-based): chr21:46,246,757, C>T on the plus strand (G>A on the coding strand, the complement: MCM3AP is on the minus strand). VCF-style: chr21-46246757-C-T. GRCh37 (hg19) VCF-style: chr21-47666671-C-T.
Other names: short protein forms V1474M.
Identifiers: ClinVar variation 2163191 (VCV002163191.1), dbSNP rs1039421897, ClinGen allele CA321978156.

ClinVar aggregate classification (germline): Uncertain significance (1 of 4 stars; one submission).

Allele frequency attached by ClinVar (database versions not stated): gnomAD 0.00001; TOPMed 0.00001.
gnomAD v4.1: 23 of 1,614,140 alleles (0.0014%); highest among the groups gnomAD compares: Non-Finnish European, 0.0019%; no homozygotes.

Submission:

Labcorp Genetics (formerly Invitae), Labcorp
Classification: Uncertain significance. Last evaluated: 2022-02-22. Review status: criteria provided, single submitter. Criteria: Invitae Variant Classification Sherloc (09022015). Collection method: clinical testing. Allele origin: germline.
Comment: This sequence change replaces valine, which is neutral and non-polar, with methionine, which is neutral and non-polar, at codon 1474 of the MCM3AP protein (p.Val1474Met). This variant is not present in population databases (gnomAD no frequency). This variant has not been reported in the literature in individuals affected with MCM3AP-related conditions. Algorithms developed to predict the effect of missense changes on protein structure and function output the following: SIFT: "Deleterious"; PolyPhen-2: "Benign"; Align-GVGD: "Class C0". The methionine amino acid residue is found in multiple mammalian species, which suggests that this missense change does not adversely affect protein function. In summary, the available evidence is currently insufficient to determine the role of this variant in disease. Therefore, it has been classified as a Variant of Uncertain Significance.